The following is an entry in ClinVar:

ClinVar aggregate classification (germline): Uncertain significance (1 of 4 stars; one submission).

Allele frequency attached by ClinVar (database versions not stated): gnomAD 0.00001; 1000 Genomes Project 30x 0.00016.

Submission:

GeneDx
Classification: Uncertain significance. Last evaluated: 2025-08-14. Review status: criteria provided, single submitter. Criteria: GeneDx Variant Classification Process June 2021. Collection method: clinical testing. Allele origin: germline. Affected: yes.
Comment: Identified in an individual with multiple congenital anomalies who was also heterozygous for another variant in MTFMT; the phase of this variants was not reported (PMID: 31501239); Not observed at significant frequency in large population cohorts (gnomAD); In silico analysis supports that this missense variant has a deleterious effect on protein structure/function; This variant is associated with the following publications: (PMID: 31501239)

NM_139242.4(MTFMT):c.479T>C (p.Ile160Thr)

Gene: MTFMT (mitochondrial methionyl-tRNA formyltransferase; minus strand). Cytogenetic location: 15q22.31.
Variant type: single nucleotide variant.
Coding change: c.479T>C on transcript NM_139242.4 (MANE Select); coding-DNA position 479, T replaced by C.
Protein change: p.Ile160Thr; replaces isoleucine 160 with threonine.
Molecular consequence: missense variant.
Genome position (GRCh38, 1-based): chr15:65,023,735, A>G on the plus strand (T>C on the coding strand, the complement: MTFMT is on the minus strand). VCF-style: chr15-65023735-A-G. GRCh37 (hg19) VCF-style: chr15-65316073-A-G.
Other names: short protein forms I160T.
Identifiers: ClinVar variation 1310224 (VCV001310224.3), dbSNP rs2086395636, ClinGen allele CA392856114.
Genomic context (GRCh38, chr15:65,023,735, plus strand): 5'-TTAGGTCTAATTTGCATAATTGTTACTCCAGTAACTGTGTCTCCGTGAAGCACTGTATGG[A>G]TTACAGGGGCTGGGCCACGCCATCTCGGGAGGCAACTGGGATGAACATTCAATATGCCAC-3'
Protein context (NP_640335.2, residues 150-170): LPRWRGPAPV[Ile160Thr]HTVLHGDTVT